The following is an entry in ClinVar:

ClinVar aggregate classification (germline): Pathogenic (1 of 4 stars; one submission).

Conditions:
Multiple sulfatase deficiency (MSD). Also called: Mucosulfatidosis; Multiple Sulfatase Deficiency Disease; Sulfatidosis, Juvenile, Austin Type. Identifiers: Orphanet 585, MedGen C0268263, MONDO:0010088, OMIM 272200.

Submission:

Labcorp Genetics (formerly Invitae), Labcorp
Classification: Pathogenic for Multiple sulfatase deficiency. Last evaluated: 2024-01-26. Review status: criteria provided, single submitter. Criteria: Invitae Variant Classification Sherloc (09022015). Collection method: clinical testing. Allele origin: unknown.
Comment: A gross deletion of the genomic region encompassing the full coding sequence of the SUMF1 gene has been identified. Loss-of-function variants in SUMF1 are known to be pathogenic (PMID: 12757705, 12757706, 25885655). The boundaries of this event are unknown as they extend beyond the assayed region for this gene and therefore may encompass additional genes. This variant has not been reported in the literature in individuals affected with SUMF1-related conditions. Experimental studies and prediction algorithms are not available or were not evaluated, and the functional significance of this variant is currently unknown. For these reasons, this variant has been classified as Pathogenic.

Literature cited by the submitters: PubMed 12757705; PubMed 12757706; PubMed 25885655.

NC_000003.11:g.(?_4403828)_(4508929_?)del

Gene: SUMF1 (sulfatase modifying factor 1; minus strand). Cytogenetic location: 3p26.1.
Variant type: Deletion.
Identifiers: ClinVar variation 3246847 (VCV003246847.1).